The following is an entry in ClinVar:

NM_033116.6(NEK9):c.1019del (p.Ala340fs)

Gene: NEK9 (NIMA related kinase 9; minus strand). Cytogenetic location: 14q24.3.
Variant type: Deletion.
Coding change: c.1019del on transcript NM_033116.6 (MANE Select); coding-DNA position 1019, one base deleted (C; older notation c.1019delC).
Protein change: p.Ala340fs; shifts the reading frame from alanine 340.
Molecular consequence: frameshift variant.
Genome position (GRCh38, 1-based): chr14:75,109,848, G deleted on the plus strand (C on the coding strand, the reverse complement: NEK9 is on the minus strand). VCF-style (leftmost placement, unchanged base first): chr14-75109847-AG-A. GRCh37 (hg19) VCF-style: chr14-75576550-AG-A.
Other names: c.1019del, p.Ala340fs (NM_001329237.2); c.665del, p.Ala222fs (NM_001329238.2); short protein forms A222fs, A340fs.
Identifiers: ClinVar variation 4294505 (VCV004294505.1).

ClinVar aggregate classification (germline): Likely pathogenic (1 of 4 stars; one submission).

Conditions:
NEK9-related lethal skeletal dysplasia. Also called: Lethal congenital contracture syndrome 10. Identifiers: Orphanet 464366, MedGen C5568141, MONDO:0014870, OMIM 617022.

Submission:

Molecular Genetics Department, Kulakov National Medical Research Center for Obstetrics, Gynecology and Perinatology
Classification: Likely pathogenic for NEK9-related lethal skeletal dysplasia. Review status: criteria provided, single submitter. Criteria: ACMG Guidelines, 2015. Collection method: clinical testing. Allele origin: germline. Affected: yes. Observed: 1 variant allele.
Comment: A previously undescribed homozygous nucleotide variant creates a frameshift p.Ala340ValfsTer2 in the NEK9 gene. Homozygous and compound heterozygous variants of this type are reported in patients with lethal congenital contracture syndrome 10, 617022. The variant is not present in population database (gnomAD no frequency). In summary, the currently available evidence indicates that the variant is pathogenic, but additional data are needed to prove that conclusively. Therefore, this variant has been classified as likely pathogenic.